The following is an entry in ClinVar:

ClinVar aggregate classification (germline): Uncertain significance (1 of 4 stars; one submission).

Conditions:
Hereditary cancer-predisposing syndrome. Also called: Neoplastic Syndromes, Hereditary; Hereditary Cancer Syndrome; Hereditary neoplastic syndrome; Tumor predisposition. Identifiers: Orphanet 140162, MedGen C0027672, MeSH D009386, MONDO:0015356.

Submission:

Ambry Genetics
Classification: Uncertain significance for Hereditary cancer-predisposing syndrome. Last evaluated: 2026-03-24. Review status: criteria provided, single submitter. Criteria: Ambry Variant Classification Scheme 2023. Collection method: clinical testing. Allele origin: germline.
Comment: The p.D11N variant (also known as c.31G>A), located in coding exon 1 of the FANCC gene, results from a G to A substitution at nucleotide position 31. The aspartic acid at codon 11 is replaced by asparagine, an amino acid with highly similar properties. This amino acid position is conserved. In addition, this alteration is predicted to be tolerated by in silico analysis. Based on the available evidence, the clinical significance of this variant remains unclear.

NM_000136.3(FANCC):c.31G>A (p.Asp11Asn)

Gene: FANCC (FA complementation group C; minus strand). Cytogenetic location: 9q22.32.
Variant type: single nucleotide variant.
Coding change: c.31G>A on transcript NM_000136.3 (MANE Select); coding-DNA position 31, G replaced by A.
Protein change: p.Asp11Asn; replaces aspartic acid 11 with asparagine.
Molecular consequence: missense variant.
Genome position (GRCh38, 1-based): chr9:95,249,261, C>T on the plus strand (G>A on the coding strand, the complement: FANCC is on the minus strand). VCF-style: chr9-95249261-C-T. GRCh37 (hg19) VCF-style: chr9-98011543-C-T.
Other names: c.31G>A, p.Asp11Asn (NM_001243743.2, NM_001243744.2); short protein forms D11N.
Identifiers: ClinVar variation 4870941 (VCV004870941.1).